The following is an entry in ClinVar:

ClinVar aggregate classification (germline): Uncertain significance (1 of 4 stars; one submission).

gnomAD v4.1: 272 of 1,535,344 alleles (0.018%); highest among the groups gnomAD compares: Non-Finnish European, 0.023%; no homozygotes.

Submission:

Labcorp Genetics (formerly Invitae), Labcorp
Classification: Uncertain significance. Last evaluated: 2025-04-19. Review status: criteria provided, single submitter. Criteria: Invitae Variant Classification Sherloc (09022015). Collection method: clinical testing. Allele origin: germline.
Comment: This sequence change affects codon 5 of the THAP11 mRNA. It is a 'silent' change, meaning that it does not change the encoded amino acid sequence of the THAP11 protein. This variant is present in population databases (rs776444055, gnomAD 0.02%). This variant has not been reported in the literature in individuals affected with THAP11-related conditions. In summary, the available evidence is currently insufficient to determine the role of this variant in disease. Therefore, it has been classified as a Variant of Uncertain Significance.

NM_020457.3(THAP11):c.15G>A (p.Thr5=)

Genes: THAP11 (THAP domain containing 11; plus strand), CENPT (centromere protein T; minus strand). Cytogenetic location: 16q22.1.
Variant type: single nucleotide variant.
Coding change: c.15G>A on transcript NM_020457.3 (MANE Select); coding-DNA position 15, G replaced by A.
Protein change: p.Thr5=; no amino-acid change (threonine 5 retained).
Molecular consequence: synonymous variant. On other transcripts: intron variant (1).
Genome position (GRCh38, 1-based): chr16:67,842,569, G>A. VCF-style: chr16-67842569-G-A. GRCh37 (hg19) VCF-style: chr16-67876472-G-A.
Other names: c.-492+4832C>T (NM_025082.4).
Identifiers: ClinVar variation 4802927 (VCV004802927.1).